The following is an entry in ClinVar:

NM_006767.4(LZTR1):c.2500G>A (p.Ala834Thr)

Gene: LZTR1 (leucine zipper like post translational regulator 1; plus strand). Cytogenetic location: 22q11.21.
Variant type: single nucleotide variant.
Coding change: c.2500G>A on transcript NM_006767.4 (MANE Select); coding-DNA position 2500, G replaced by A.
Protein change: p.Ala834Thr; replaces alanine 834 with threonine.
Molecular consequence: missense variant.
Genome position (GRCh38, 1-based): chr22:20,997,325, G>A. VCF-style: chr22-20997325-G-A. GRCh37 (hg19) VCF-style: chr22-21351614-G-A.
Other names: short protein forms A834T.
Identifiers: ClinVar variation 1473710 (VCV001473710.11), dbSNP rs894106897, ClinGen allele CA322274240.
Genomic context (GRCh38, chr22:20,997,325, plus strand): 5'-CAGCAGCTGCTGCTGGACATCATAGACTCCCTGGCCTCCCACATCTCAGACAAGCAGTGC[G>A]CAGAGCTGGGCGCCGACATCTGAGGCCCTGTGGCGCCTGCCCATTGTGAAGAATCGCCGT-3'
Protein context (NP_006758.2, residues 824-840): LASHISDKQC[Ala834Thr]ELGADI

ClinVar aggregate classification (germline): Uncertain significance. Review status: criteria provided, multiple submitters, no conflicts (2 of 4 stars). 3 submissions from 3 submitters: Uncertain significance (3). Last evaluated 2025-10-13.

Conditions:
LZTR1-related schwannomatosis. Also called: Schwannomatosis 2; Schwannomatosis-2, susceptibility to. Identifiers: Orphanet 93921, MedGen C3810283, MONDO:0014299, OMIM 615670.
Cardiovascular phenotype. Identifiers: MedGen CN230736.
Hereditary cancer-predisposing syndrome. Also called: Neoplastic Syndromes, Hereditary; Hereditary Cancer Syndrome; Tumor predisposition; Hereditary neoplastic syndrome. Identifiers: Orphanet 140162, MedGen C0027672, MeSH D009386, MONDO:0015356.

Allele frequency attached by ClinVar (database versions not stated): gnomAD exomes below 0.00001; gnomAD 0.00001; TOPMed 0.00001.
gnomAD v4.1: 19 of 1,613,306 alleles (0.0012%); highest among the groups gnomAD compares: East Asian, 0.0022%; no homozygotes.

Submissions (3):

Labcorp Genetics (formerly Invitae), Labcorp
Classification: Uncertain significance. Last evaluated: 2025-10-13. Review status: criteria provided, single submitter. Criteria: Invitae Variant Classification Sherloc (09022015). Collection method: clinical testing. Allele origin: germline.
Comment: This sequence change replaces alanine, which is neutral and non-polar, with threonine, which is neutral and polar, at codon 834 of the LZTR1 protein (p.Ala834Thr). The frequency data for this variant in the population databases is considered unreliable, as metrics indicate poor data quality at this position in the gnomAD database. This variant has not been reported in the literature in individuals affected with LZTR1-related conditions. ClinVar contains an entry for this variant (Variation ID: 1473710). Invitae Evidence Modeling of protein sequence and biophysical properties (such as structural, functional, and spatial information, amino acid conservation, physicochemical variation, residue mobility, and thermodynamic stability) indicates that this missense variant is not expected to disrupt LZTR1 protein function with a negative predictive value of 80%. In summary, the available evidence is currently insufficient to determine the role of this variant in disease. Therefore, it has been classified as a Variant of Uncertain Significance.

Ambry Genetics
Classification: Uncertain significance for Cardiovascular phenotype; Hereditary cancer-predisposing syndrome. Last evaluated: 2025-04-12. Review status: criteria provided, single submitter. Criteria: Ambry Variant Classification Scheme 2023. Collection method: clinical testing. Allele origin: germline.
Comment: The p.A834T variant (also known as c.2500G>A), located in coding exon 21 of the LZTR1 gene, results from a G to A substitution at nucleotide position 2500. The alanine at codon 834 is replaced by threonine, an amino acid with similar properties. This amino acid position is highly conserved in available vertebrate species. In addition, this alteration is predicted to be tolerated by in silico analysis. Since supporting evidence is limited at this time, the clinical significance of this alteration remains unclear.

Baylor Genetics
Classification: Uncertain significance for LZTR1-related schwannomatosis. Last evaluated: 2024-02-26. Review status: criteria provided, single submitter. Criteria: ACMG Guidelines, 2015. Collection method: clinical testing. Allele origin: unknown.